The following is an entry in ClinVar:

NM_001130009.3(GEN1):c.905G>A (p.Arg302His)

Gene: GEN1 (GEN1 structure-specific endonuclease; plus strand). Cytogenetic location: 2p24.2.
Variant type: single nucleotide variant.
Coding change: c.905G>A on transcript NM_001130009.3 (MANE Select); coding-DNA position 905, G replaced by A.
Protein change: p.Arg302His; replaces arginine 302 with histidine.
Molecular consequence: missense variant.
Genome position (GRCh38, 1-based): chr2:17,772,736, G>A. VCF-style: chr2-17772736-G-A. GRCh37 (hg19) VCF-style: chr2-17954003-G-A.
Other names: c.905G>A, p.Arg302His (NM_182625.5); c.905G>A (NM_182625.4); short protein forms R302H.
Identifiers: ClinVar variation 1112780 (VCV001112780.12), dbSNP rs148607792, ClinGen allele CA1540595.

ClinVar aggregate classification (germline): Likely benign. Review status: criteria provided, multiple submitters, no conflicts (2 of 4 stars). 3 submissions from 3 submitters: Likely benign (2). 1 of the submissions does not count toward it. Last evaluated 2026-01-26.

Conditions:
GEN1-related disorder. Also called: GEN1-related condition.

Allele frequency attached by ClinVar (database versions not stated): TOPMed 0.00290; gnomAD exomes 0.00461 and 0.00281; 1000 Genomes Project 30x 0.00016; 1000 Genomes Project 0.00020; ESP Exome Variant Server 0.00246; ExAC 0.00272; gnomAD 0.00276 and 0.00279.

Submissions (3):

Labcorp Genetics (formerly Invitae), Labcorp
Classification: Likely benign. Last evaluated: 2026-01-26. Review status: criteria provided, single submitter. Criteria: Invitae Variant Classification Sherloc (09022015). Collection method: clinical testing. Allele origin: germline.

Breakthrough Genomics
Classification: Likely benign. Review status: criteria provided, single submitter. Criteria: ACMG Guidelines, 2015. Collection method: not provided. Allele origin: germline. Inheritance: Unknown mechanism. Affected: yes.

PreventionGenetics, part of Exact Sciences
Classification: Likely benign for GEN1-related condition. Last evaluated: 2020-07-27. Review status: no assertion criteria provided. Collection method: clinical testing. Allele origin: germline. Not counted in ClinVar's aggregate classification.
Comment: This variant is classified as likely benign based on ACMG/AMP sequence variant interpretation guidelines (Richards et al. 2015 PMID: 25741868, with internal and published modifications).